The following is an entry in ClinVar:

NM_000501.4(ELN):c.594G>A (p.Pro198=)

Gene: ELN (elastin; plus strand). Cytogenetic location: 7q11.23.
Variant type: single nucleotide variant.
Coding change: c.594G>A on transcript NM_000501.4 (MANE Select); coding-DNA position 594, G replaced by A.
Protein change: p.Pro198=; no amino-acid change (proline 198 retained).
Molecular consequence: synonymous variant.
Genome position (GRCh38, 1-based): chr7:74,046,718, G>A. VCF-style: chr7-74046718-G-A. GRCh37 (hg19) VCF-style: chr7-73461048-G-A.
Other names: c.564G>A, p.Pro188= (NM_001081752.3, NM_001278917.2); c.609G>A, p.Pro203= (NM_001081753.3, NM_001081754.3); c.594G>A, p.Pro198= (NM_001081755.3, NM_001278912.2, NM_001278915.2 and 2 more transcripts); c.528G>A, p.Pro176= (NM_001278913.2); c.579G>A, p.Pro193= (NM_001278914.2); c.462G>A, p.Pro154= (NM_001278918.2).
Identifiers: ClinVar variation 392605 (VCV000392605.11), dbSNP rs140337204, ClinGen allele CA4292586.
Genomic context (GRCh38, chr7:74,046,718, plus strand): 5'-GGTGCTGGGACCTGAACTTGCTCTCTTTATTCCCACAGGAGTTGGACCCTTTGGGGGACC[G>A]CAACCTGGAGTCCCACTGGGGTATCCCATCAAGGCCCCCAAGCTGCCTGGTAAGTCAGAG-3'
Protein context (NP_000492.2, residues 188-208): GIPGVGPFGG[Pro198=]QPGVPLGYPI

ClinVar aggregate classification (germline): Conflicting classifications of pathogenicity. Review status: criteria provided, conflicting classifications (1 of 4 stars). 3 submissions from 3 submitters: Uncertain significance (1); Likely benign (2). Last evaluated 2025-07-15.

Conditions:
Supravalvar aortic stenosis (SVAS). Also called: Supravalvar aortic stenosis, Eisenberg type. Identifiers: Orphanet 3193, MedGen C0003499, MONDO:0008504, OMIM 185500, HP:0004381.

Allele frequency attached by ClinVar (database versions not stated): TOPMed 0.00006; ESP Exome Variant Server 0.00023.
gnomAD v4.1: 98 of 1,614,050 alleles (0.0061%); highest among the groups gnomAD compares: Non-Finnish European, 0.0074%; no homozygotes.

Submissions (3):

Labcorp Genetics (formerly Invitae), Labcorp
Classification: Likely benign for Supravalvar aortic stenosis. Last evaluated: 2025-07-15. Review status: criteria provided, single submitter. Criteria: Invitae Variant Classification Sherloc (09022015). Collection method: clinical testing. Allele origin: germline.

Blueprint Genetics
Classification: Likely benign. Last evaluated: 2024-10-31. Review status: criteria provided, single submitter. Criteria: ACMG Guidelines, 2015. Collection method: clinical testing. Allele origin: germline.

GeneDx
Classification: Uncertain significance. Last evaluated: 2017-01-10. Review status: criteria provided, single submitter. Criteria: GeneDx Variant Classification (06012015). Collection method: clinical testing. Allele origin: germline. Affected: yes.
Comment: A variant of uncertain significance has been identified in the ELN gene. The synonymous P198P (c.594 G>A) variant has not been published as a pathogenic variant, nor has it been reported as a benign variant to our knowledge. It was not observed with any significant frequency in approximately 6,500 individuals of European and African American ancestry in the NHLBI Exome Sequencing Project, indicating it is not a common benign variant in these populations. In addition, this substitution occurs at a nucleotide position that is conserved through mammals. Nonetheless, in silico analysis does not predict this variant will result in abnormal splicing.